The following is an entry in ClinVar:

ClinVar aggregate classification (germline): Uncertain significance (1 of 4 stars; one submission).

Conditions:
Primary ciliary dyskinesia. Also called: Ciliary dyskinesia. Identifiers: Orphanet 244, MedGen C0008780, MONDO:0016575, HP:0012265.

Submission:

Labcorp Genetics (formerly Invitae), Labcorp
Classification: Uncertain significance for Primary ciliary dyskinesia. Last evaluated: 2025-04-20. Review status: criteria provided, single submitter. Criteria: Invitae Variant Classification Sherloc (09022015). Collection method: clinical testing. Allele origin: germline.
Comment: This sequence change replaces alanine, which is neutral and non-polar, with serine, which is neutral and polar, at codon 379 of the DNAAF2 protein (p.Ala379Ser). This variant is not present in population databases (gnomAD no frequency). This variant has not been reported in the literature in individuals affected with DNAAF2-related conditions. Invitae Evidence Modeling of protein sequence and biophysical properties (such as structural, functional, and spatial information, amino acid conservation, physicochemical variation, residue mobility, and thermodynamic stability) indicates that this missense variant is not expected to disrupt DNAAF2 protein function with a negative predictive value of 80%. In summary, the available evidence is currently insufficient to determine the role of this variant in disease. Therefore, it has been classified as a Variant of Uncertain Significance.

NM_018139.3(DNAAF2):c.1135G>T (p.Ala379Ser)

Genes: DNAAF2 (dynein axonemal assembly factor 2; minus strand), LOC130055542 (ATAC-STARR-seq lymphoblastoid silent region 5699; plus strand). Cytogenetic location: 14q21.3.
Variant type: single nucleotide variant.
Coding change: c.1135G>T on transcript NM_018139.3 (MANE Select); coding-DNA position 1135, G replaced by T.
Protein change: p.Ala379Ser; replaces alanine 379 with serine.
Molecular consequence: missense variant.
Genome position (GRCh38, 1-based): chr14:49,634,015, C>A on the plus strand (G>T on the coding strand, the complement: DNAAF2 is on the minus strand). VCF-style: chr14-49634015-C-A. GRCh37 (hg19) VCF-style: chr14-50100733-C-A.
Other names: c.1135G>T, p.Ala379Ser (NM_001083908.2); short protein forms A379S.
Identifiers: ClinVar variation 4736797 (VCV004736797.1).